The following is an entry in ClinVar:

NM_022168.4(IFIH1):c.2072C>A (p.Ala691Asp)

Gene: IFIH1 (interferon induced with helicase C domain 1; minus strand). Cytogenetic location: 2q24.2.
Variant type: single nucleotide variant.
Coding change: c.2072C>A on transcript NM_022168.4 (MANE Select); coding-DNA position 2072, C replaced by A.
Protein change: p.Ala691Asp; replaces alanine 691 with aspartic acid.
Molecular consequence: missense variant.
Genome position (GRCh38, 1-based): chr2:162,276,919, G>T on the plus strand (C>A on the coding strand, the complement: IFIH1 is on the minus strand). VCF-style: chr2-162276919-G-T. GRCh37 (hg19) VCF-style: chr2-163133429-G-T.
Other names: short protein forms A691D.
Identifiers: ClinVar variation 1720120 (VCV001720120.5), dbSNP rs2468958285, ClinGen allele CA348998015.
Genomic context (GRCh38, chr2:162,276,919, plus strand): 5'-TGCTCCATTATGGTATTTCTTAATTTGGTCAGCTTTTCATTTTCATATTCTGGGTTTTCA[G>T]CCAGCCTTTTCAACATTTTATTGTTTTCTTTAAGAAATAATTAGAGTTGATATGTTAACA-3'
Protein context (NP_071451.2, residues 681-701): FENNKMLKRL[Ala691Asp]ENPEYENEKL

ClinVar aggregate classification (germline): Uncertain significance (1 of 4 stars; one submission).

Conditions:
Aicardi-Goutieres syndrome 7 (AGS7). Identifiers: Orphanet 51, MedGen C3888244, MONDO:0014367, OMIM 615846.
Singleton-Merten syndrome 1 (SGMRT1). Also called: Widened medullary cavities of bone, aortic calcification, abnormal dentition, and muscular weakness; Syndrome of widened medullary cavities of the metacarpals and phalanges, aortic calcification and abnormal dentition. Identifiers: Orphanet 85191, MedGen C4225427, MONDO:0024535, OMIM 182250.

Submission:

Labcorp Genetics (formerly Invitae), Labcorp
Classification: Uncertain significance for Aicardi-Goutieres syndrome 7; Singleton-Merten syndrome 1. Last evaluated: 2022-09-23. Review status: criteria provided, single submitter. Criteria: Invitae Variant Classification Sherloc (09022015). Collection method: clinical testing. Allele origin: germline.
Comment: In summary, the available evidence is currently insufficient to determine the role of this variant in disease. Therefore, it has been classified as a Variant of Uncertain Significance. Advanced modeling of protein sequence and biophysical properties (such as structural, functional, and spatial information, amino acid conservation, physicochemical variation, residue mobility, and thermodynamic stability) has been performed at Invitae for this missense variant, however the output from this modeling did not meet the statistical confidence thresholds required to predict the impact of this variant on IFIH1 protein function. This variant has not been reported in the literature in individuals affected with IFIH1-related conditions. This variant is not present in population databases (gnomAD no frequency). This sequence change replaces alanine, which is neutral and non-polar, with aspartic acid, which is acidic and polar, at codon 691 of the IFIH1 protein (p.Ala691Asp).